The following is an entry in ClinVar:

ClinVar aggregate classification (germline): Uncertain significance (1 of 4 stars; one submission).

Submission:

GeneDx
Classification: Uncertain significance. Last evaluated: 2024-01-08. Review status: criteria provided, single submitter. Criteria: GeneDx Variant Classification Process June 2021. Collection method: clinical testing. Allele origin: germline. Affected: yes.
Comment: Not observed at significant frequency in large population cohorts (gnomAD); In-frame insertion of two amino acids in a non-repeat region; Has not been previously published as pathogenic or benign to our knowledge

NM_001326342.2(CELF2):c.1532_1537dup (p.Lys512_Arg513insLeuLys)

Genes: CELF2 (CUGBP Elav-like family member 2; plus strand), CELF2-AS1 (CELF2 antisense RNA 1; minus strand). Cytogenetic location: 10p14.
Variant type: Duplication.
Coding change: c.1532_1537dup on transcript NM_001326342.2 (MANE Select); coding-DNA positions 1532 to 1537, 6 bases duplicated (TGAAGC; older notation c.1532_1537dupTGAAGC).
Protein change: p.Lys512_Arg513insLeuLys.
Molecular consequence: inframe insertion.
Genome position (GRCh38, 1-based): chr10:11,329,019-11,329,024, TGAAGC duplicated; duplicating any 6 consecutive bases within chr10:11,329,016-11,329,024 gives the same sequence; the c. name uses the placement nearest the transcript's 3' end. VCF-style (leftmost placement, unchanged base first): chr10-11329015-C-CAGCTGA. GRCh37 (hg19) VCF-style: chr10-11370978-C-CAGCTGA.
Other names: c.1439_1444dup, p.Lys481_Arg482insLeuLys (NM_001025076.2, NM_001326318.2, NM_001326320.2 and 6 more transcripts); c.1493_1498dup, p.Lys499_Arg500insLeuLys (NM_001025077.3, NM_001326319.2, NM_001326332.2); c.1433_1438dup, p.Lys479_Arg480insLeuLys (NM_001083591.1); c.1421_1426dup, p.Lys475_Arg476insLeuLys (NM_001326317.2, NM_001326329.2, NM_001326344.2 and 2 more transcripts); c.1463_1468dup, p.Lys489_Arg490insLeuLys (NM_001326321.2); c.1481_1486dup, p.Lys495_Arg496insLeuLys (NM_001326323.2); c.1586_1591dup, p.Lys530_Arg531insLeuLys (NM_001326325.2, NM_001326343.2); c.1529_1534dup, p.Lys511_Arg512insLeuLys (NM_001326326.2); and 14 more.
Identifiers: ClinVar variation 3367600 (VCV003367600.1).